The following is an entry in ClinVar:

ClinVar aggregate classification (germline): Uncertain significance (1 of 4 stars; one submission).

Conditions:
Diffuse cerebral and cerebellar atrophy - intractable seizures - progressive microcephaly syndrome. Also called: Microcephaly, progressive, with seizures and cerebral and cerebellar atrophy. Identifiers: Orphanet 404437, MedGen C4014239, MONDO:0014335, OMIM 615760.

Submission:

Labcorp Genetics (formerly Invitae), Labcorp
Classification: Uncertain significance for Diffuse cerebral and cerebellar atrophy - intractable seizures - progressive microcephaly syndrome. Last evaluated: 2022-11-22. Review status: criteria provided, single submitter. Criteria: Invitae Variant Classification Sherloc (09022015). Collection method: clinical testing. Allele origin: germline.
Comment: In summary, the available evidence is currently insufficient to determine the role of this variant in disease. Therefore, it has been classified as a Variant of Uncertain Significance. Algorithms developed to predict the effect of sequence changes on RNA splicing suggest that this variant may create or strengthen a splice site. ClinVar contains an entry for this variant (Variation ID: 1351768). This variant has not been reported in the literature in individuals affected with QARS-related conditions. This variant is not present in population databases (gnomAD no frequency). This sequence change affects codon 325 of the QARS mRNA. It is a 'silent' change, meaning that it does not change the encoded amino acid sequence of the QARS protein.

NM_005051.3(QARS1):c.973C>T (p.Leu325=)

Gene: QARS1 (glutaminyl-tRNA synthetase 1; minus strand). Cytogenetic location: 3p21.31.
Variant type: single nucleotide variant.
Coding change: c.973C>T on transcript NM_005051.3 (MANE Select); coding-DNA position 973, C replaced by T.
Protein change: p.Leu325=; no amino-acid change (leucine 325 retained).
Molecular consequence: synonymous variant. On other transcripts: non-coding transcript variant (1).
Genome position (GRCh38, 1-based): chr3:49,100,578, G>A on the plus strand (C>T on the coding strand, the complement: QARS1 is on the minus strand). VCF-style: chr3-49100578-G-A. GRCh37 (hg19) VCF-style: chr3-49138011-G-A.
Other names: c.940C>T, p.Leu314= (NM_001272073.2).
Identifiers: ClinVar variation 1351768 (VCV001351768.8), dbSNP rs2107103966, ClinGen allele CA433631163.
Genomic context (GRCh38, chr3:49,100,578, plus strand): 5'-TGGCCCAAGGAGAGGCCCACTAACCACCAGCCCTTCTAGGCTTTGCCTAGTCCATACCTA[G>A]CCAGGCTACCATGTCACAGATGGCCGTGAAGAACTTTGCTTCCTCCTTCTCAGGGTTGGT-3'
Protein context (NP_005042.1, residues 315-335): FTAICDMVAW[Leu325=]GYTPYKVTYA